The following is an entry in ClinVar:

NM_000383.4(AIRE):c.1401-1G>A

Gene: AIRE (autoimmune regulator; plus strand). Cytogenetic location: 21q22.3.
Variant type: single nucleotide variant.
Coding change: c.1401-1G>A on transcript NM_000383.4 (MANE Select); the canonical splice acceptor site of the intron before coding-DNA position 1401, G replaced by A.
Molecular consequence: splice acceptor variant.
Genome position (GRCh38, 1-based): chr21:44,294,400, G>A. VCF-style: chr21-44294400-G-A. GRCh37 (hg19) VCF-style: chr21-45714283-G-A.
Identifiers: ClinVar variation 2744468 (VCV002744468.3), dbSNP rs1471741201, ClinGen allele CA410425850.

ClinVar aggregate classification (germline): Likely pathogenic (1 of 4 stars; one submission).

Conditions:
Polyglandular autoimmune syndrome, type 1 (APS1). Also called: Autoimmune polyendocrinopathy syndrome , type I, with or without reversible metaphyseal dysplasia; AUTOIMMUNE POLYENDOCRINE SYNDROME, TYPE I, WITH OR WITHOUT REVERSIBLE METAPHYSEAL DYSPLASIA; HYPOADRENOCORTICISM WITH HYPOPARATHYROIDISM AND SUPERFICIAL MONILIASIS; PGA I; Autoimmune polyendocrine syndrome type 1; Autoimmune polyendocrinopathy syndrome, type I. Identifiers: Orphanet 3453, MedGen C0085859, MONDO:0009411, OMIM 240300.

Allele frequency attached by ClinVar (database versions not stated): gnomAD exomes below 0.00001.

Submission:

Labcorp Genetics (formerly Invitae), Labcorp
Classification: Likely pathogenic for Polyglandular autoimmune syndrome, type 1. Last evaluated: 2023-07-17. Review status: criteria provided, single submitter. Criteria: Invitae Variant Classification Sherloc (09022015). Collection method: clinical testing. Allele origin: germline.
Comment: Algorithms developed to predict the effect of sequence changes on RNA splicing suggest that this variant may disrupt the consensus splice site. In summary, the currently available evidence indicates that the variant is pathogenic, but additional data are needed to prove that conclusively. Therefore, this variant has been classified as Likely Pathogenic. This variant has not been reported in the literature in individuals affected with AIRE-related conditions. The frequency data for this variant in the population databases is considered unreliable, as metrics indicate poor data quality at this position in the gnomAD database. This sequence change affects an acceptor splice site in intron 11 of the AIRE gene. It is expected to disrupt RNA splicing. Variants that disrupt the donor or acceptor splice site typically lead to a loss of protein function (PMID: 16199547), and loss-of-function variants in AIRE are known to be pathogenic (PMID: 11524731, 26141571).

Literature cited by the submitters: PubMed 16199547; PubMed 11524731; PubMed 26141571.